The following is an entry in ClinVar:

NM_033409.4(SLC52A3):c.1263G>T (p.Leu421=)

Gene: SLC52A3 (solute carrier family 52 member 3; minus strand). Cytogenetic location: 20p13.
Variant type: single nucleotide variant.
Coding change: c.1263G>T on transcript NM_033409.4 (MANE Select); coding-DNA position 1263, G replaced by T.
Protein change: p.Leu421=; no amino-acid change (leucine 421 retained).
Molecular consequence: synonymous variant.
Genome position (GRCh38, 1-based): chr20:761,173, C>A on the plus strand (G>T on the coding strand, the complement: SLC52A3 is on the minus strand). VCF-style: chr20-761173-C-A. GRCh37 (hg19) VCF-style: chr20-741817-C-A.
Other names: c.1263G>T, p.Leu421= (NM_001370085.1, NM_001370086.1).
Identifiers: ClinVar variation 666755 (VCV000666755.4), dbSNP rs1599955750, ClinGen allele CA509341382.

ClinVar aggregate classification (germline): Likely benign (1 of 4 stars; one submission).

gnomAD v4.1: 1 of 1,573,944 alleles (0.000064%); no homozygotes.

Submission:

Laboratory for Molecular Medicine, Mass General Brigham Personalized Medicine
Classification: Likely benign. Last evaluated: 2018-07-17. Review status: criteria provided, single submitter. Criteria: LMM Criteria. Collection method: clinical testing. Allele origin: germline. Observed: 1 variant allele.
Comment: The p.Leu421Leu variant in SLC52A3 is classified as likely benign because it doe s not alter an amino acid residue, it is not located within the splice consensus sequence, and splice prediction algorithms do not predict a newly created splic e site. ACMG/AMP Criteria applied: BP4, BP7.